The following is an entry in ClinVar:

ClinVar aggregate classification (germline): Benign/Likely benign. Review status: criteria provided, multiple submitters, no conflicts (2 of 4 stars). 4 submissions from 4 submitters: Benign (1); Likely benign (2). 1 of the submissions does not count toward it. Last evaluated 2026-01-04.

Conditions:
FCSK-related disorder. Also called: FCSK-related condition.

Allele frequency attached by ClinVar (database versions not stated): gnomAD 0.00040; TOPMed 0.00046; gnomAD exomes 0.00048 and 0.00053; ExAC 0.00057; ESP Exome Variant Server 0.00095.
gnomAD v4.1: 766 of 1,613,750 alleles (0.047%); highest among the groups gnomAD compares: Non-Finnish European, 0.053%; 2 homozygotes.

Submissions (4):

Labcorp Genetics (formerly Invitae), Labcorp
Classification: Likely benign. Last evaluated: 2026-01-04. Review status: criteria provided, single submitter. Criteria: Invitae Variant Classification Sherloc (09022015). Collection method: clinical testing. Allele origin: germline.

Laboratory of Genetics, Children's Clinical University Hospital Latvia
Classification: Benign. Last evaluated: 2025-02-16. Review status: criteria provided, single submitter. Criteria: ACMG Guidelines, 2015. Collection method: clinical testing. Allele origin: germline. Affected: yes.

CeGaT Center for Human Genetics Tuebingen
Classification: Likely benign. Last evaluated: 2022-06-01. Review status: criteria provided, single submitter. Criteria: CeGaT Center For Human Genetics Tuebingen Variant Classification Criteria Version 2. Collection method: clinical testing. Allele origin: germline. Affected: yes. Observed: 1 variant allele.
Comment: FCSK: BP4, BP7

PreventionGenetics, part of Exact Sciences
Classification: Likely benign for FCSK-related condition. Last evaluated: 2019-06-05. Review status: no assertion criteria provided. Collection method: clinical testing. Allele origin: germline. Not counted in ClinVar's aggregate classification.
Comment: This variant is classified as likely benign based on ACMG/AMP sequence variant interpretation guidelines (Richards et al. 2015 PMID: 25741868, with internal and published modifications).

NM_145059.3(FCSK):c.2964G>A (p.Ser988=)

Gene: FCSK (fucose kinase; plus strand). Cytogenetic location: 16q22.1.
Variant type: single nucleotide variant.
Coding change: c.2964G>A on transcript NM_145059.3 (MANE Select); coding-DNA position 2964, G replaced by A.
Protein change: p.Ser988=; no amino-acid change (serine 988 retained).
Molecular consequence: synonymous variant.
Genome position (GRCh38, 1-based): chr16:70,479,214, G>A. VCF-style: chr16-70479214-G-A. GRCh37 (hg19) VCF-style: chr16-70513117-G-A.
Other names: c.2964G>A (NM_145059.2).
Identifiers: ClinVar variation 1682402 (VCV001682402.34), dbSNP rs201537001, ClinGen allele CA8143832.
Genomic context (GRCh38, chr16:70,479,214, plus strand): 5'-CGTCACTCCCCTCTGCCCCACCTCAGGAAGCCTGCCTCTGCTGGGCCAGTGCCTGACCTC[G>A]TACTGGGAGCAGAAGAAGCTCATGGCTCCAGGCTGTGAGCCCCTGACTGTGCGGCGTATG-3'
Protein context (NP_659496.2, residues 978-998): SLPLLGQCLT[Ser988=]YWEQKKLMAP